The following is an entry in ClinVar:

NM_172364.5(CACNA2D4):c.391G>A (p.Glu131Lys)

Gene: CACNA2D4 (calcium voltage-gated channel auxiliary subunit alpha2delta 4; minus strand). Cytogenetic location: 12p13.33.
Variant type: single nucleotide variant.
Coding change: c.391G>A on transcript NM_172364.5 (MANE Select); coding-DNA position 391, G replaced by A.
Protein change: p.Glu131Lys; replaces glutamic acid 131 with lysine.
Molecular consequence: missense variant.
Genome position (GRCh38, 1-based): chr12:1,913,058, C>T on the plus strand (G>A on the coding strand, the complement: CACNA2D4 is on the minus strand). VCF-style: chr12-1913058-C-T. GRCh37 (hg19) VCF-style: chr12-2022224-C-T.
Other names: short protein forms E131K.
Identifiers: ClinVar variation 1381829 (VCV001381829.6), dbSNP rs939785890, ClinGen allele CA231587392.

ClinVar aggregate classification (germline): Uncertain significance (1 of 4 stars; one submission).

Allele frequency attached by ClinVar (database versions not stated): gnomAD exomes below 0.00001.
gnomAD v4.1: 6 of 1,613,814 alleles (0.00037%); highest among the groups gnomAD compares: Admixed American, 0.0017%; no homozygotes.

Submission:

Labcorp Genetics (formerly Invitae), Labcorp
Classification: Uncertain significance. Last evaluated: 2021-11-08. Review status: criteria provided, single submitter. Criteria: Invitae Variant Classification Sherloc (09022015). Collection method: clinical testing. Allele origin: germline.
Comment: This variant has not been reported in the literature in individuals affected with CACNA2D4-related conditions. In summary, the available evidence is currently insufficient to determine the role of this variant in disease. Therefore, it has been classified as a Variant of Uncertain Significance. Algorithms developed to predict the effect of missense changes on protein structure and function output the following: SIFT: "Deleterious"; PolyPhen-2: "Benign"; Align-GVGD: "Class C0". The lysine amino acid residue is found in multiple mammalian species, which suggests that this missense change does not adversely affect protein function. This variant is present in population databases (no rsID available, gnomAD 0.003%). This sequence change replaces glutamic acid, which is acidic and polar, with lysine, which is basic and polar, at codon 131 of the CACNA2D4 protein (p.Glu131Lys).